The following is an entry in ClinVar:

ClinVar aggregate classification (germline): Pathogenic (1 of 4 stars; one submission).

Submission:

Labcorp Genetics (formerly Invitae), Labcorp
Classification: Pathogenic. Last evaluated: 2023-06-20. Review status: criteria provided, single submitter. Criteria: Invitae Variant Classification Sherloc (09022015). Collection method: clinical testing. Allele origin: germline.
Comment: This sequence change creates a premature translational stop signal (p.Asp56Thrfs*165) in the DDX3X gene. It is expected to result in an absent or disrupted protein product. Loss-of-function variants in DDX3X are known to be pathogenic (PMID: 26235985). This variant is not present in population databases (gnomAD no frequency). This variant has not been reported in the literature in individuals affected with DDX3X-related conditions. For these reasons, this variant has been classified as Pathogenic.

Literature cited by the submitters: PubMed 26235985.

NM_001356.5(DDX3X):c.165del (p.Asp56fs)

Gene: DDX3X (DEAD-box helicase 3 X-linked; plus strand). Cytogenetic location: Xp11.4.
Variant type: Deletion.
Coding change: c.165del on transcript NM_001356.5 (MANE Select); coding-DNA position 165, one base deleted (A; older notation c.165delA).
Protein change: p.Asp56fs; shifts the reading frame from aspartic acid 56.
Molecular consequence: frameshift variant. On other transcripts: 5 prime UTR variant (1), non-coding transcript variant (1).
Genome position (GRCh38, 1-based): chrX:41,341,497, A deleted; the last of 3 consecutive A bases (chrX:41,341,495-41,341,497); deleting any one gives the same sequence. VCF-style (leftmost placement, unchanged base first): chrX-41341494-TA-T. GRCh37 (hg19) VCF-style: chrX-41200747-TA-T.
Other names: c.165del, p.Asp56fs (NM_001193416.3); c.117del, p.Asp40fs (NM_001193417.3); c.-394del (NM_001363819.1); short protein forms D56fs, D40fs.
Identifiers: ClinVar variation 2712267 (VCV002712267.3), dbSNP rs2147348607, ClinGen allele CA2697553025.
Genomic context (GRCh38, chrX:41,341,494, plus strand): 5'-TTCCTATTTCTAATTAATAATAAAATGTATTTGTGCTTTTTTAATCAAAGGTTTCTACGA[TA>T]AAGACAGTTCAGGGTGGAGTTCTAGCAAAGATAAGGATGCGTATAGCAGTTTTGGATCTC-3'